The following is an entry in ClinVar:

NM_024786.3(ZDHHC11):c.447C>T (p.Ser149=)

Gene: ZDHHC11 (zDHHC palmitoyltransferase 11; minus strand). Cytogenetic location: 5p15.33.
Variant type: single nucleotide variant.
Coding change: c.447C>T on transcript NM_024786.3 (MANE Select); coding-DNA position 447, C replaced by T.
Protein change: p.Ser149=; no amino-acid change (serine 149 retained).
Molecular consequence: synonymous variant.
Genome position (GRCh38, 1-based): chr5:847,570, G>A on the plus strand (C>T on the coding strand, the complement: ZDHHC11 is on the minus strand). VCF-style: chr5-847570-G-A. GRCh37 (hg19) VCF-style: chr5-847685-G-A.
Other names: c.612C>T, p.Ser204= (NM_001393492.1).
Identifiers: ClinVar variation 2655259 (VCV002655259.24), dbSNP rs575228209, ClinGen allele CA3178770.
Genomic context (GRCh38, chr5:847,570, plus strand): 5'-TCACCAATAATTCCGGCTTCCCACGCAGTTGTTGATCCATTTGCAGTGGTGGTCGAAGCC[G>A]GACACACACTTATTGCAGGAAATGCAGTGTTTGGTTTTCTTGTTCCTGGAGGGATGAATC-3'
Protein context (NP_079062.1, residues 139-159): KHCISCNKCV[Ser149=]GFDHHCKWIN

ClinVar aggregate classification (germline): Likely benign (1 of 4 stars; one submission).

Allele frequency attached by ClinVar (database versions not stated): ExAC 0.00006; 1000 Genomes Project 0.00020; 1000 Genomes Project 30x 0.00031.

Submission:

CeGaT Center for Human Genetics Tuebingen
Classification: Likely benign. Last evaluated: 2022-11-01. Review status: criteria provided, single submitter. Criteria: CeGaT Center For Human Genetics Tuebingen Variant Classification Criteria Version 2. Collection method: clinical testing. Allele origin: germline. Affected: yes. Observed: 1 variant allele.
Comment: ZDHHC11: BP4, BP7